The following is an entry in ClinVar:

ClinVar aggregate classification (germline): Likely benign (1 of 4 stars; one submission).

Allele frequency attached by ClinVar (database versions not stated): 1000 Genomes Project 30x 0.00016; 1000 Genomes Project 0.00020; ExAC 0.00108; gnomAD 0.00159; TOPMed 0.00161; ESP Exome Variant Server 0.00231; gnomAD exomes 0.00302.

Submission:

CeGaT Center for Human Genetics Tuebingen
Classification: Likely benign. Last evaluated: 2024-05-01. Review status: criteria provided, single submitter. Criteria: CeGaT Center For Human Genetics Tuebingen Variant Classification Criteria Version 2. Collection method: clinical testing. Allele origin: germline. Affected: yes. Observed: 2 variant alleles.
Comment: SLC25A10: BS1

NM_012140.5(SLC25A10):c.170T>C (p.Ile57Thr)

Gene: SLC25A10 (solute carrier family 25 member 10; plus strand). Cytogenetic location: 17q25.3.
Variant type: single nucleotide variant.
Coding change: c.170T>C on transcript NM_012140.5 (MANE Select); coding-DNA position 170, T replaced by C.
Protein change: p.Ile57Thr; replaces isoleucine 57 with threonine.
Molecular consequence: missense variant.
Genome position (GRCh38, 1-based): chr17:81,715,029, T>C. VCF-style: chr17-81715029-T-C. GRCh37 (hg19) VCF-style: chr17-79682059-T-C.
Other names: c.170T>C, p.Ile57Thr (NM_001270888.2, NM_001270953.2); short protein forms I57T.
Identifiers: ClinVar variation 2578804 (VCV002578804.25), dbSNP rs141074608, ClinGen allele CA8841508.